The following is an entry in ClinVar:

ClinVar aggregate classification (germline): Uncertain significance (1 of 4 stars; one submission).

Conditions:
Developmental and epileptic encephalopathy, 12 (DEE12). Identifiers: MedGen C3150988, MONDO:0013389, OMIM 613722.

Allele frequency attached by ClinVar (database versions not stated): gnomAD exomes below 0.00001.
gnomAD v4.1: 1 of 1,613,344 alleles (0.000062%); highest among the groups gnomAD compares: South Asian, 0.0011%; no homozygotes.

Submission:

Labcorp Genetics (formerly Invitae), Labcorp
Classification: Uncertain significance for Developmental and epileptic encephalopathy, 12. Last evaluated: 2019-10-24. Review status: criteria provided, single submitter. Criteria: Invitae Variant Classification Sherloc (09022015). Collection method: clinical testing. Allele origin: germline.
Comment: This variant is not present in population databases (ExAC no frequency). This variant has not been reported in the literature in individuals with PNKP-related conditions. Nucleotide substitutions within the consensus splice site are a relatively common cause of aberrant splicing (PMID: 17576681, 9536098). Algorithms developed to predict the effect of sequence changes on RNA splicing suggest that this variant is not likely to affect RNA splicing, but this prediction has not been confirmed by published transcriptional studies. In summary, the available evidence is currently insufficient to determine the role of this variant in disease. Therefore, it has been classified as a Variant of Uncertain Significance. This sequence change falls in intron 6 of the PNKP gene. It does not directly change the encoded amino acid sequence of the PNKP protein, but it affects a nucleotide within the consensus splice site of the intron.

Literature cited by the submitters: PubMed 17576681; PubMed 9536098.

NM_007254.4(PNKP):c.637-3C>T

Gene: PNKP (polynucleotide kinase 3'-phosphatase; minus strand). Cytogenetic location: 19q13.33.
Variant type: single nucleotide variant.
Coding change: c.637-3C>T on transcript NM_007254.4 (MANE Select); 3 bases into the intron before coding-DNA position 637, C replaced by T.
Molecular consequence: intron variant.
Genome position (GRCh38, 1-based): chr19:49,864,074, G>A on the plus strand (C>T on the coding strand, the complement: PNKP is on the minus strand). VCF-style: chr19-49864074-G-A. GRCh37 (hg19) VCF-style: chr19-50367331-G-A.
Identifiers: ClinVar variation 959019 (VCV000959019.10), dbSNP rs2074800259, ClinGen allele CA1139666546.